The following is an entry in ClinVar:

NM_016004.5(IFT52):c.613-128_622del

Gene: IFT52 (intraflagellar transport 52; plus strand). Cytogenetic location: 20q13.12.
Variant type: Deletion.
Coding change: c.613-128_622del on transcript NM_016004.5 (MANE Select); 128 bases into the intron before coding-DNA position 613 through coding-DNA position 622, 138 bases deleted.
Molecular consequence: splice acceptor variant.
Genome position (GRCh38, 1-based): chr20:43,618,812-43,618,949, 138 bases deleted. GRCh37 (hg19): chr20:42,247,452-42,247,589.
Other names: c.85-128_94del (NM_001323578.2, NM_001323580.2); c.-39-128_-30del (NM_001323579.2, NM_001323581.2); c.613-128_622del (NM_001303458.3, NM_001303459.3).
Identifiers: ClinVar variation 2077785 (VCV002077785.4), dbSNP rs2515664031, ClinGen allele CA2580098175.

ClinVar aggregate classification (germline): Uncertain significance (1 of 4 stars; one submission).

Submission:

Labcorp Genetics (formerly Invitae), Labcorp
Classification: Uncertain significance. Last evaluated: 2022-10-03. Review status: criteria provided, single submitter. Criteria: Invitae Variant Classification Sherloc (09022015). Collection method: clinical testing. Allele origin: germline.
Comment: In summary, the available evidence is currently insufficient to determine the role of this variant in disease. Therefore, it has been classified as a Variant of Uncertain Significance. Algorithms developed to predict the effect of sequence changes on RNA splicing suggest that this variant may disrupt the consensus splice site. This variant has not been reported in the literature in individuals affected with IFT52-related conditions. This variant is not present in population databases (gnomAD no frequency). This variant results in the deletion of part of exon 8 (c.613-128_622del) of the IFT52 gene. It is expected to disrupt RNA splicing. Variants that disrupt the donor or acceptor splice site typically lead to a loss of protein function (PMID: 16199547), however the current clinical and genetic evidence is not sufficient to establish whether loss-of-function variants in IFT52 cause disease.

Literature cited by the submitters: PubMed 16199547.